The following is an entry in ClinVar:

ClinVar aggregate classification (germline): Uncertain significance (1 of 4 stars; one submission).

Conditions:
Cohen syndrome (COH1). Also called: PEPPER SYNDROME; Cutis verticis gyrata, retinitis pigmentosa, and sensorineural deafness. Identifiers: Orphanet 193, MedGen C0265223, MONDO:0008999, OMIM 216550.

Allele frequency attached by ClinVar (database versions not stated): TOPMed below 0.00001.

Submission:

Labcorp Genetics (formerly Invitae), Labcorp
Classification: Uncertain significance for Cohen syndrome. Last evaluated: 2023-11-08. Review status: criteria provided, single submitter. Criteria: Invitae Variant Classification Sherloc (09022015). Collection method: clinical testing. Allele origin: germline.
Comment: This sequence change replaces lysine, which is basic and polar, with arginine, which is basic and polar, at codon 2768 of the VPS13B protein (p.Lys2768Arg). This variant is not present in population databases (gnomAD no frequency). This variant has not been reported in the literature in individuals affected with VPS13B-related conditions. ClinVar contains an entry for this variant (Variation ID: 2156087). Advanced modeling of protein sequence and biophysical properties (such as structural, functional, and spatial information, amino acid conservation, physicochemical variation, residue mobility, and thermodynamic stability) performed at Invitae indicates that this missense variant is not expected to disrupt VPS13B protein function with a negative predictive value of 80%. In summary, the available evidence is currently insufficient to determine the role of this variant in disease. Therefore, it has been classified as a Variant of Uncertain Significance.

NM_152564.5(VPS13B):c.8228A>G (p.Lys2743Arg)

Gene: VPS13B (vacuolar protein sorting 13 homolog B; plus strand). Cytogenetic location: 8q22.2.
Variant type: single nucleotide variant.
Coding change: c.8228A>G on transcript NM_152564.5 (MANE Select); coding-DNA position 8228, A replaced by G.
Protein change: p.Lys2743Arg; replaces lysine 2743 with arginine.
Molecular consequence: missense variant.
Genome position (GRCh38, 1-based): chr8:99,817,670, A>G. VCF-style: chr8-99817670-A-G. GRCh37 (hg19) VCF-style: chr8-100829898-A-G.
Other names: c.8303A>G, p.Lys2768Arg (NM_017890.5); short protein forms K2743R, K2768R.
Identifiers: ClinVar variation 2156087 (VCV002156087.4), dbSNP rs1814124093, ClinGen allele CA371772837.